The following is an entry in ClinVar:

ClinVar aggregate classification (germline): Uncertain significance (1 of 4 stars; one submission).

Conditions:
Cystic fibrosis (CF). Also called: MUCOVISCIDOSIS. Identifiers: Orphanet 586, MedGen C0010674, MONDO:0009061, OMIM 219700. Disease mechanism: loss of function.

Submission:

Ambry Genetics
Classification: Uncertain significance for Cystic fibrosis. Last evaluated: 2025-05-16. Review status: criteria provided, single submitter. Criteria: Ambry Variant Classification Scheme 2023. Collection method: clinical testing. Allele origin: germline.
Comment: The p.D1336Y variant (also known as c.4006G>T), located in coding exon 25 of the CFTR gene, results from a G to T substitution at nucleotide position 4006. The aspartic acid at codon 1336 is replaced by tyrosine, an amino acid with highly dissimilar properties. This amino acid position is conserved. In addition, this alteration is predicted to be deleterious by in silico analysis. Based on the available evidence, the clinical significance of this variant remains unclear.

NM_000492.4(CFTR):c.4006G>T (p.Asp1336Tyr)

Gene: CFTR (CF transmembrane conductance regulator; plus strand). Cytogenetic location: 7q31.2.
Variant type: single nucleotide variant.
Coding change: c.4006G>T on transcript NM_000492.4 (MANE Select); coding-DNA position 4006, G replaced by T.
Protein change: p.Asp1336Tyr; replaces aspartic acid 1336 with tyrosine.
Molecular consequence: missense variant.
Genome position (GRCh38, 1-based): chr7:117,664,730, G>T. VCF-style: chr7-117664730-G-T. GRCh37 (hg19) VCF-style: chr7-117304784-G-T.
Other names: short protein forms D1336Y.
Identifiers: ClinVar variation 4001800 (VCV004001800.1).